The following is an entry in ClinVar:

ClinVar aggregate classification (germline): Uncertain significance (1 of 4 stars; one submission).

Conditions:
Epileptic encephalopathy. Identifiers: MedGen C0543888, HP:0200134.

gnomAD v4.1: 1 of 1,530,228 alleles (0.000065%); highest among the groups gnomAD compares: Non-Finnish European, 0.000088%; no homozygotes.

Submission:

Labcorp Genetics (formerly Invitae), Labcorp
Classification: Uncertain significance for Epileptic encephalopathy. Last evaluated: 2021-02-11. Review status: criteria provided, single submitter. Criteria: Invitae Variant Classification Sherloc (09022015). Collection method: clinical testing. Allele origin: germline.
Comment: In summary, the available evidence is currently insufficient to determine the role of this variant in disease. Therefore, it has been classified as a Variant of Uncertain Significance. Algorithms developed to predict the effect of missense changes on protein structure and function are either unavailable or do not agree on the potential impact of this missense change (SIFT: "Deleterious"; PolyPhen-2: "Not Available"; Align-GVGD: "Class C0"). This variant has not been reported in the literature in individuals with GABBR2-related conditions. This variant is present in population databases (rs760155306, ExAC 0.002%). This sequence change replaces proline with arginine at codon 55 of the GABBR2 protein (p.Pro55Arg). The proline residue is weakly conserved and there is a moderate physicochemical difference between proline and arginine.

NM_005458.8(GABBR2):c.164C>G (p.Pro55Arg)

Gene: GABBR2 (gamma-aminobutyric acid type B receptor subunit 2; minus strand). Cytogenetic location: 9q22.33.
Variant type: single nucleotide variant.
Coding change: c.164C>G on transcript NM_005458.8 (MANE Select); coding-DNA position 164, C replaced by G.
Protein change: p.Pro55Arg; replaces proline 55 with arginine.
Molecular consequence: missense variant.
Genome position (GRCh38, 1-based): chr9:98,708,574, G>C on the plus strand (C>G on the coding strand, the complement: GABBR2 is on the minus strand). VCF-style: chr9-98708574-G-C. GRCh37 (hg19) VCF-style: chr9-101470856-G-C.
Other names: short protein forms P55R.
Identifiers: ClinVar variation 1365730 (VCV001365730.8), dbSNP rs760155306, ClinGen allele CA5153059.